The following is an entry in ClinVar:

ClinVar aggregate classification (germline): Uncertain significance (1 of 4 stars; one submission).

Submission:

Labcorp Genetics (formerly Invitae), Labcorp
Classification: Uncertain significance. Last evaluated: 2023-07-17. Review status: criteria provided, single submitter. Criteria: Invitae Variant Classification Sherloc (09022015). Collection method: clinical testing. Allele origin: germline.
Comment: ClinVar contains an entry for this variant (Variation ID: 1509373). This variant has not been reported in the literature in individuals affected with TOE1-related conditions. This variant is not present in population databases (gnomAD no frequency). This sequence change replaces serine, which is neutral and polar, with cysteine, which is neutral and slightly polar, at codon 26 of the TOE1 protein (p.Ser26Cys). An algorithm developed to predict the effect of missense changes on protein structure and function (PolyPhen-2) suggests that this variant is likely to be tolerated. In summary, the available evidence is currently insufficient to determine the role of this variant in disease. Therefore, it has been classified as a Variant of Uncertain Significance.

NM_025077.4(TOE1):c.77C>G (p.Ser26Cys)

Gene: TOE1 (target of EGR1, exonuclease; plus strand). Cytogenetic location: 1p34.1.
Variant type: single nucleotide variant.
Coding change: c.77C>G on transcript NM_025077.4 (MANE Select); coding-DNA position 77, C replaced by G.
Protein change: p.Ser26Cys; replaces serine 26 with cysteine.
Molecular consequence: missense variant.
Genome position (GRCh38, 1-based): chr1:45,341,097, C>G. VCF-style: chr1-45341097-C-G. GRCh37 (hg19) VCF-style: chr1-45806769-C-G.
Other names: short protein forms S26C.
Identifiers: ClinVar variation 1509373 (VCV001509373.6), dbSNP rs1368830139, ClinGen allele CA340138368.